The following is an entry in ClinVar:

NC_012920.1(MT-CO3):m.9300G>A

Gene: MT-CO3 (mitochondrially encoded cytochrome c oxidase III; plus strand).
Variant type: single nucleotide variant.
Genome position: chrM-9300-G-A.
Identifiers: ClinVar variation 693141 (VCV000693141.2), dbSNP rs371745772, ClinGen allele CA337098312.

ClinVar aggregate classification (germline): Benign. Review status: criteria provided, multiple submitters, no conflicts (2 of 4 stars). 2 submissions from 2 submitters: Benign (2). Last evaluated 2025-02-16.

Conditions:
Leigh syndrome (NULS). Also called: Leigh's necrotizing encephalopathy; Leigh's disease; Leigh Syndrome (mtDNA deletion); Leigh Disease; Subacute necrotizing encephalopathy; Necrotizing encephalopathy infantile subacute of Leigh. Identifiers: Orphanet 506, MedGen C2931891, MONDO:0009723, OMIM 256000.

Submissions (2):

Laboratory of Genetics, Children's Clinical University Hospital Latvia
Classification: Benign. Last evaluated: 2025-02-16. Review status: criteria provided, single submitter. Criteria: ACMG Guidelines, 2015. Collection method: clinical testing. Allele origin: germline. Affected: yes.

Wong Mito Lab, Molecular and Human Genetics, Baylor College of Medicine
Classification: Benign for Leigh syndrome. Last evaluated: 2019-10-17. Review status: criteria provided, single submitter. Criteria: Modified ACMG Guidelines (Unpublished). Collection method: clinical testing. Allele origin: germline.
Comment: The NC_012920.1:m.9300G>A (YP_003024032.1:p.Ala32Thr) variant in MTCO3 gene is interpretated to be a Benign variant based on the modified ACMG guidelines (unpublished). This variant meets the following evidence codes: BS1, BS4, BP4